The following is an entry in ClinVar:

ClinVar aggregate classification (germline): Uncertain significance (1 of 4 stars; one submission).

Conditions:
COG5-congenital disorder of glycosylation. Also called: CONGENITAL DISORDER OF GLYCOSYLATION, TYPE IIi; CDG IIi; COG5-CDG. Identifiers: Orphanet 263487, MedGen C3150876, MONDO:0013325, OMIM 613612.

Submission:

Labcorp Genetics (formerly Invitae), Labcorp
Classification: Uncertain significance for COG5-congenital disorder of glycosylation. Last evaluated: 2021-12-08. Review status: criteria provided, single submitter. Criteria: Invitae Variant Classification Sherloc (09022015). Collection method: clinical testing. Allele origin: germline.
Comment: This sequence change replaces methionine, which is neutral and non-polar, with isoleucine, which is neutral and non-polar, at codon 720 of the COG5 protein (p.Met720Ile). This variant is not present in population databases (gnomAD no frequency). This variant has not been reported in the literature in individuals affected with COG5-related conditions. Algorithms developed to predict the effect of missense changes on protein structure and function (SIFT, PolyPhen-2, Align-GVGD) all suggest that this variant is likely to be tolerated. In summary, the available evidence is currently insufficient to determine the role of this variant in disease. Therefore, it has been classified as a Variant of Uncertain Significance.

NM_006348.5(COG5):c.2067G>T (p.Met689Ile)

Gene: COG5 (component of oligomeric golgi complex 5; minus strand). Cytogenetic location: 7q22.3.
Variant type: single nucleotide variant.
Coding change: c.2067G>T on transcript NM_006348.5 (MANE Select); coding-DNA position 2067, G replaced by T.
Protein change: p.Met689Ile; replaces methionine 689 with isoleucine.
Molecular consequence: missense variant. On other transcripts: intron variant (1).
Genome position (GRCh38, 1-based): chr7:107,236,474, C>A on the plus strand (G>T on the coding strand, the complement: COG5 is on the minus strand). VCF-style: chr7-107236474-C-A. GRCh37 (hg19) VCF-style: chr7-106876919-C-A.
Other names: c.2067G>T, p.Met689Ile (NM_001161520.2, NM_001379513.1); c.1905G>T, p.Met635Ile (NM_001379511.1); c.1893G>T, p.Met631Ile (NM_001379512.1); c.1497G>T, p.Met499Ile (NM_001379515.1); c.1353G>T, p.Met451Ile (NM_001379516.1); c.2004G>T, p.Met668Ile (NM_181733.4); c.1853+11922G>T (NM_001379514.1); short protein forms M668I, M689I, M451I, M631I, M635I, M499I.
Identifiers: ClinVar variation 1355237 (VCV001355237.3), dbSNP rs2116455716, ClinGen allele CA368939361.